The following is an entry in ClinVar:

ClinVar aggregate classification (germline): Likely pathogenic (0 of 4 stars; one submission).

Conditions:
KMT2E-related disorder. Also called: KMT2E-related condition.

Submission:

PreventionGenetics, part of Exact Sciences
Classification: Likely pathogenic for KMT2E-related condition. Last evaluated: 2024-02-19. Review status: no assertion criteria provided. Collection method: clinical testing. Allele origin: germline.
Comment: The KMT2E c.4130_4132delinsT variant is predicted to result in a frameshift and premature protein termination (p.Asp1377Valfs*8). To our knowledge, this variant has not been reported in the literature or in a large population database, indicating this variant is rare. Frameshift variants in KMT2E are expected to be pathogenic. This variant is interpreted as likely pathogenic.

NM_182931.3(KMT2E):c.4130_4132delinsT (p.Asp1377fs)

Gene: KMT2E (lysine methyltransferase 2E (inactive); plus strand). Cytogenetic location: 7q22.3.
Variant type: Indel.
Coding change: c.4130_4132delinsT on transcript NM_182931.3 (MANE Select); coding-DNA positions 4130 to 4132, ATC replaced by T.
Protein change: p.Asp1377fs; shifts the reading frame from aspartic acid 1377.
Molecular consequence: frameshift variant.
Genome position (GRCh38, 1-based): chr7:105,111,886-105,111,888, ATC replaced by T. VCF-style: chr7-105111886-ATC-T. GRCh37 (hg19) VCF-style: chr7-104752333-ATC-T.
Other names: c.4004_4006delinsT, p.Asp1335fs (NM_001410908.1); c.4130_4132delinsT, p.Asp1377fs (NM_018682.4); short protein forms D1335fs, D1377fs.
Identifiers: ClinVar variation 3061294 (VCV003061294.2), dbSNP rs2536523348, ClinGen allele CA2740097449.